The following is an entry in ClinVar:

NM_001165963.4(SCN1A):c.4872G>A (p.Leu1624=)

Genes: SCN1A (sodium voltage-gated channel alpha subunit 1; minus strand), LOC102724058 (uncharacterized LOC102724058; plus strand). Cytogenetic location: 2q24.3.
Variant type: single nucleotide variant.
Coding change: c.4872G>A on transcript NM_001165963.4 (MANE Select); coding-DNA position 4872, G replaced by A.
Protein change: p.Leu1624=; no amino-acid change (leucine 1624 retained).
Molecular consequence: synonymous variant. On other transcripts: non-coding transcript variant (1).
Genome position (GRCh38, 1-based): chr2:165,992,403, C>T on the plus strand (G>A on the coding strand, the complement: SCN1A is on the minus strand). VCF-style: chr2-165992403-C-T. GRCh37 (hg19) VCF-style: chr2-166848913-C-T.
Other names: p.L1624L:CTG>CTA; c.4788G>A, p.Leu1596= (NM_001165964.3, NM_001353957.2, NM_001353958.2); c.4872G>A, p.Leu1624= (NM_001202435.3, NM_001353948.2); c.4839G>A, p.Leu1613= (NM_001353949.2, NM_001353950.2, NM_001353951.2 and 2 more transcripts); c.4836G>A, p.Leu1612= (NM_001353954.2, NM_001353955.2); c.4785G>A, p.Leu1595= (NM_001353960.2); c.2430G>A, p.Leu810= (NM_001353961.2).
Identifiers: ClinVar variation 138986 (VCV000138986.49), dbSNP rs142910512, ClinGen allele CA232571.

ClinVar aggregate classification (germline): Conflicting classifications of pathogenicity. Review status: criteria provided, conflicting classifications (1 of 4 stars). 8 submissions from 7 submitters: Uncertain significance (2); Benign (2); Likely benign (4). Last evaluated 2026-06-01.

Conditions:
Early-infantile DEE. Also called: Early infantile epileptic encephalopathy; Early infantile epileptic encephalopathy with suppression bursts; Ohtahara syndrome. Identifiers: Orphanet 1934, MedGen C0393706, MONDO:0800491.
Inborn genetic diseases. Identifiers: MedGen C0950123, MeSH D030342.
Migraine, familial hemiplegic, 3. Identifiers: Orphanet 569, MedGen C1864987, MONDO:0012320, OMIM 609634.
Generalized epilepsy with febrile seizures plus, type 2 (GEFSP2). Also called: GEFS+, TYPE 2. Identifiers: Orphanet 36387, MedGen C1858673, MONDO:0011461, OMIM 604403.

Allele frequency attached by ClinVar (database versions not stated): gnomAD exomes 0.00012 and 0.00028; ExAC 0.00025; ESP Exome Variant Server 0.00031; gnomAD 0.00048 and 0.00049; TOPMed 0.00079; 1000 Genomes Project 0.00140; 1000 Genomes Project 30x 0.00156.
gnomAD v4.1: 279 of 1,613,546 alleles (0.017%); highest among the groups gnomAD compares: Admixed American, 0.11%; no homozygotes.

Submissions (8):

CeGaT Center for Human Genetics Tuebingen
Classification: Likely benign. Last evaluated: 2026-06-01. Review status: criteria provided, single submitter. Criteria: CeGaT Center For Human Genetics Tuebingen Variant Classification Criteria Version 2. Collection method: clinical testing. Allele origin: germline. Affected: yes. Observed: 2 variant alleles.
Comment: SCN1A: BP4, BP7, BS1

Labcorp Genetics (formerly Invitae), Labcorp
Classification: Benign for Early-infantile DEE. Last evaluated: 2026-02-03. Review status: criteria provided, single submitter. Criteria: Invitae Variant Classification Sherloc (09022015). Collection method: clinical testing. Allele origin: germline.

Blueprint Genetics
Classification: Likely benign. Last evaluated: 2024-10-15. Review status: criteria provided, single submitter. Criteria: ACMG Guidelines, 2015. Collection method: clinical testing. Allele origin: germline.

Illumina Laboratory Services, Illumina
Classification: Uncertain significance for Generalized epilepsy with febrile seizures plus, type 2. Last evaluated: 2018-01-12. Review status: criteria provided, single submitter. Criteria: ICSL Variant Classification Criteria 13 December 2019. Collection method: clinical testing. Allele origin: germline.

Illumina Laboratory Services, Illumina
Classification: Likely benign for Migraine, familial hemiplegic, 3. Last evaluated: 2018-01-12. Review status: criteria provided, single submitter. Criteria: ICSL Variant Classification Criteria 13 December 2019. Collection method: clinical testing. Allele origin: germline.
Comment: This variant was observed in the ICSL laboratory as part of a predisposition screen in an ostensibly healthy population. It had not been previously curated by ICSL or reported in the Human Gene Mutation Database (HGMD: prior to June 1st, 2018), and was therefore a candidate for classification through an automated scoring system. Utilizing variant allele frequency, disease prevalence and penetrance estimates, and inheritance mode, an automated score was calculated to assess if this variant is too frequent to cause the disease. Based on the score and internal cut-off values, a variant classified as likely benign is not then subjected to further curation. The score for this variant resulted in a classification of likely benign for this disease.

Ambry Genetics
Classification: Likely benign for Inborn genetic diseases. Last evaluated: 2016-11-01. Review status: criteria provided, single submitter. Criteria: Ambry Variant Classification Scheme 2023. Collection method: clinical testing. Allele origin: germline.

Eurofins Ntd Llc (ga)
Classification: Uncertain significance. Last evaluated: 2014-04-14. Review status: criteria provided, single submitter. Criteria: EGL Classification Definitions 2015. Collection method: clinical testing. Allele origin: germline. Observed: 2 variant alleles, 2 heterozygotes.

GeneDx
Classification: Benign. Last evaluated: 2014-02-24. Review status: criteria provided, single submitter. Criteria: GeneDx Variant Classification (06012015). Collection method: clinical testing. Allele origin: germline. Affected: yes.
Comment: This variant is considered likely benign or benign based on one or more of the following criteria: it is a conservative change, it occurs at a poorly conserved position in the protein, it is predicted to be benign by multiple in silico algorithms, and/or has population frequency not consistent with disease.